The following is an entry in ClinVar:

ClinVar aggregate classification (germline): Uncertain significance. Review status: criteria provided, multiple submitters, no conflicts (2 of 4 stars). 2 submissions from 2 submitters: Uncertain significance (2). Last evaluated 2020-01-27.

Conditions:
Joubert syndrome. Also called: CEREBELLOPARENCHYMAL DISORDER IV; JOUBERT-BOLTSHAUSER SYNDROME; Familial aplasia of the vermis. Identifiers: Orphanet 475, MedGen C5979921, MONDO:0018772.

Submissions (2):

Labcorp Genetics (formerly Invitae), Labcorp
Classification: Uncertain significance for Joubert syndrome. Last evaluated: 2020-01-27. Review status: criteria provided, single submitter. Criteria: Invitae Variant Classification Sherloc (09022015). Collection method: clinical testing. Allele origin: germline.
Comment: This sequence change affects the initiator methionine of the TMEM216 mRNA. The next in-frame methionine is located at codon 8. In summary, the available evidence is currently insufficient to determine the role of this variant in disease. Therefore, it has been classified as a Variant of Uncertain Significance. Disruption of the initiator codon has not been reported in the literature in individuals with TMEM216-related conditions. ClinVar contains an entry for this variant (Variation ID: 502365). The frequency data for this variant in the population databases is considered unreliable, as metrics indicate insufficient coverage at this position in the ExAC database.

Eurofins Ntd Llc (ga)
Classification: Uncertain significance. Last evaluated: 2017-06-02. Review status: criteria provided, single submitter. Criteria: EGL Classification Definitions 2015. Collection method: clinical testing. Allele origin: germline. Observed: 1 variant allele, 1 heterozygote.

NM_001173990.3(TMEM216):c.-24_12del (p.Met1_Arg4del)

Gene: TMEM216 (transmembrane protein 216; plus strand). Cytogenetic location: 11q12.2.
Variant type: Deletion.
Coding change: c.-24_12del on transcript NM_001173990.3 (MANE Select); 24 bases upstream of the start codon through coding-DNA position 12, 36 bases deleted.
Protein change: p.Met1_Arg4del.
Molecular consequence: inframe deletion, initiator codon variant. On other transcripts: 5 prime UTR variant (2).
Genome position (GRCh38, 1-based): chr11:61,392,608-61,392,643, 36 bases deleted; deleting any 36 consecutive bases within chr11:61,392,607-61,392,643 gives the same sequence; the c. name uses the placement nearest the transcript's 3' end. GRCh37 (hg19): chr11:61,160,080-61,160,115.
Other names: c.-24_12del, p.Met1_Arg4del (NM_001173991.3); c.-221_-186del (NM_001330285.2, NM_016499.6).
Identifiers: ClinVar variation 502365 (VCV000502365.16), dbSNP rs1554972391, ClinGen allele CA658797654.